The following is an entry in ClinVar:

ClinVar aggregate classification (germline): Pathogenic. Review status: criteria provided, multiple submitters, no conflicts (2 of 4 stars). 2 submissions from 2 submitters: Pathogenic (2). Last evaluated 2021-09-29.

Conditions:
Hereditary cancer-predisposing syndrome. Also called: Neoplastic Syndromes, Hereditary; Hereditary Cancer Syndrome; Hereditary neoplastic syndrome; Tumor predisposition. Identifiers: Orphanet 140162, MedGen C0027672, MeSH D009386, MONDO:0015356.

Submissions (2):

Labcorp Genetics (formerly Invitae), Labcorp
Classification: Pathogenic for Hereditary cancer-predisposing syndrome. Last evaluated: 2021-09-29. Review status: criteria provided, single submitter. Criteria: Invitae Variant Classification Sherloc (09022015). Collection method: clinical testing. Allele origin: germline.
Comment: This variant has not been reported in the literature in individuals affected with RAD50-related conditions. For these reasons, this variant has been classified as Pathogenic. This variant is not present in population databases (ExAC no frequency). This sequence change creates a premature translational stop signal (p.Ile272Serfs*4) in the RAD50 gene. It is expected to result in an absent or disrupted protein product. Loss-of-function variants in RAD50 are known to be pathogenic (PMID: 19409520).

Ambry Genetics
Classification: Pathogenic for Hereditary cancer-predisposing syndrome. Last evaluated: 2020-07-13. Review status: criteria provided, single submitter. Criteria: Ambry Variant Classification Scheme 2023. Collection method: clinical testing. Allele origin: germline.
Comment: The c.815_819delTTAAA pathogenic mutation, located in coding exon 6 of the RAD50 gene, results from a deletion of 5 nucleotides at nucleotide positions 815 to 819, causing a translational frameshift with a predicted alternate stop codon (p.I272Sfs*4). This alteration is expected to result in loss of function by premature protein truncation or nonsense-mediated mRNA decay. As such, this alteration is interpreted as a disease-causing mutation.

Literature cited by the submitters: PubMed 19409520 (cited by Labcorp Genetics (formerly Invitae), Labcorp).

NM_005732.4(RAD50):c.815_819del (p.Ile272fs)

Gene: RAD50 (RAD50 double strand break repair protein; plus strand). Cytogenetic location: 5q31.1.
Variant type: Deletion.
Coding change: c.815_819del on transcript NM_005732.4 (MANE Select); coding-DNA positions 815 to 819, 5 bases deleted (TTAAA; older notation c.815_819delTTAAA).
Protein change: p.Ile272fs; shifts the reading frame from isoleucine 272.
Molecular consequence: frameshift variant.
Genome position (GRCh38, 1-based): chr5:132,587,620-132,587,624, TTAAA deleted; deleting any 5 consecutive bases within chr5:132,587,617-132,587,624 gives the same sequence; the c. name uses the placement nearest the transcript's 3' end. VCF-style (leftmost placement, unchanged base first): chr5-132587616-GAAATT-G. GRCh37 (hg19) VCF-style: chr5-131923308-GAAATT-G.
Other names: short protein forms I272fs.
Identifiers: ClinVar variation 1459678 (VCV001459678.8), dbSNP rs1444604511, ClinGen allele CA804022434.